The following is an entry in ClinVar:

NM_006904.7(PRKDC):c.710C>G (p.Ser237Cys)

Gene: PRKDC (protein kinase, DNA-activated, catalytic subunit; minus strand). Cytogenetic location: 8q11.21.
Variant type: single nucleotide variant.
Coding change: c.710C>G on transcript NM_006904.7 (MANE Select); coding-DNA position 710, C replaced by G.
Protein change: p.Ser237Cys; replaces serine 237 with cysteine.
Molecular consequence: missense variant.
Genome position (GRCh38, 1-based): chr8:47,953,631, G>C on the plus strand (C>G on the coding strand, the complement: PRKDC is on the minus strand). VCF-style: chr8-47953631-G-C. GRCh37 (hg19) VCF-style: chr8-48866191-G-C.
Other names: c.710C>G, p.Ser237Cys (NM_001081640.2); short protein forms S237C.
Identifiers: ClinVar variation 2497422 (VCV002497422.2), dbSNP rs2551881729, ClinGen allele CA371138159.
Genomic context (GRCh38, chr8:47,953,631, plus strand): 5'-TAGACTTACAGTTTTTGAATAAAGAAAATCAAGTGAAGCCAAGCAATACCTTCTTCCATG[G>C]ACTTAGTGAAGTTGCACAGAAGTGAGGACAACCCCTTCAGACATCCTGCCAGAACAGGTA-3'
Protein context (NP_008835.5, residues 227-247): LSSLLCNFTK[Ser237Cys]MEEDPQTSRE

ClinVar aggregate classification (germline): Uncertain significance (1 of 4 stars; one submission).

Submission:

Ambry Genetics
Classification: Uncertain significance. Last evaluated: 2022-12-21. Review status: criteria provided, single submitter. Criteria: Ambry Variant Classification Scheme 2023. Collection method: clinical testing. Allele origin: germline.
Comment: The p.S237C variant (also known as c.710C>G), located in coding exon 7 of the PRKDC gene, results from a C to G substitution at nucleotide position 710. The serine at codon 237 is replaced by cysteine, an amino acid with dissimilar properties. This amino acid position is conserved. In addition, this alteration is predicted to be tolerated by in silico analysis. Since supporting evidence is limited at this time, the clinical significance of this alteration remains unclear.